The following is an entry in ClinVar:

ClinVar aggregate classification (germline): Uncertain significance (1 of 4 stars; one submission).

Conditions:
Congenital stationary night blindness 1B. Also called: NIGHT BLINDNESS, CONGENITAL STATIONARY, COMPLETE, AUTOSOMAL RECESSIVE; Night blindness, congenital stationary (complete), 1B, autosomal recessive. Identifiers: Orphanet 215, MedGen C1850362, MONDO:0009758, OMIM 257270.

Submission:

3billion
Classification: Uncertain significance for Congenital stationary night blindness 1B. Last evaluated: 2024-02-22. Review status: criteria provided, single submitter. Criteria: ACMG Guidelines, 2015. Collection method: clinical testing. Allele origin: germline. Affected: yes.
Comment: The variant is not observed in the gnomAD v2.1.1 dataset. Predicted Consequence/Location: The majority of the known disease-causing variants of this gene are variants expected to result in premature termination of the protein. In silico tool predictions suggest damaging effect of the variant on gene or gene product [REVEL: 0.89 (>=0.6, sensitivity 0.68 and specificity 0.92)]. Therefore, this variant is classified as VUS according to the recommendation of ACMG/AMP guideline.

NM_000843.4(GRM6):c.143A>G (p.His48Arg)

Gene: GRM6 (glutamate metabotropic receptor 6; minus strand). Cytogenetic location: 5q35.3.
Variant type: single nucleotide variant.
Coding change: c.143A>G on transcript NM_000843.4 (MANE Select); coding-DNA position 143, A replaced by G.
Protein change: p.His48Arg; replaces histidine 48 with arginine.
Molecular consequence: missense variant.
Genome position (GRCh38, 1-based): chr5:178,994,802, T>C on the plus strand (A>G on the coding strand, the complement: GRM6 is on the minus strand). VCF-style: chr5-178994802-T-C. GRCh37 (hg19) VCF-style: chr5-178421803-T-C.
Other names: short protein forms H48R.
Identifiers: ClinVar variation 3775452 (VCV003775452.1).
Genomic context (GRCh38, chr5:178,994,802, plus strand): 5'-CGGTGCACGCCCTGCTCCTTCTTCAGCTGCCCGCACGCCCGGCCCGCCGCGCCCCGCGCG[T>C]GCACCGGGAACAGGCCGCCCAGCGTCAGGCCGCCCGCCAGGCGCACAGAGCCCGCCGCGC-3'
Protein context (NP_000834.2, residues 38-58): GLTLGGLFPV[His48Arg]ARGAAGRACG